The following is an entry in ClinVar:

ClinVar aggregate classification (germline): Uncertain significance (1 of 4 stars; one submission).

Conditions:
Hereditary cancer-predisposing syndrome. Also called: Neoplastic Syndromes, Hereditary; Tumor predisposition; Hereditary neoplastic syndrome; Hereditary Cancer Syndrome. Identifiers: Orphanet 140162, MedGen C0027672, MeSH D009386, MONDO:0015356.

Submission:

Ambry Genetics
Classification: Uncertain significance for Hereditary cancer-predisposing syndrome. Last evaluated: 2026-06-25. Review status: criteria provided, single submitter. Criteria: Ambry Variant Classification Scheme 2023. Collection method: clinical testing. Allele origin: germline.
Comment: The p.E1017V variant (also known as c.3050A>T), located in coding exon 9 of the BRCA1 gene, results from an A to T substitution at nucleotide position 3050. The glutamic acid at codon 1017 is replaced by valine, an amino acid with dissimilar properties. This amino acid position is conserved. In addition, the in silico prediction for this alteration is inconclusive. Based on the available evidence, the clinical significance of this variant remains unclear.

NM_007294.4(BRCA1):c.3050A>T (p.Glu1017Val)

Gene: BRCA1 (BRCA1 DNA repair associated; minus strand). Cytogenetic location: 17q21.31.
Variant type: single nucleotide variant.
Coding change: c.3050A>T on transcript NM_007294.4 (MANE Select); coding-DNA position 3050, A replaced by T.
Protein change: p.Glu1017Val; replaces glutamic acid 1017 with valine.
Molecular consequence: missense variant. On other transcripts: intron variant (137).
Genome position (GRCh38, 1-based): chr17:43,092,481, T>A on the plus strand (A>T on the coding strand, the complement: BRCA1 is on the minus strand). VCF-style: chr17-43092481-T-A. GRCh37 (hg19) VCF-style: chr17-41244498-T-A.
Other names: c.3050A>T, p.Glu1017Val (NM_001407585.1, NM_001407593.1, NM_001407594.1 and 30 more transcripts); c.3047A>T, p.Glu1016Val (NM_001407587.1, NM_001407590.1, NM_001407591.1 and 22 more transcripts); c.2837A>T, p.Glu946Val (NM_001407571.1, NM_001407853.1, NM_001407918.1 and 9 more transcripts); c.2969A>T, p.Glu990Val (NM_001407661.1, NM_001407662.1, NM_001407659.1 and 1 more transcripts); c.2972A>T, p.Glu991Val (NM_001407663.1, NM_001407653.1, NM_001407654.1 and 4 more transcripts); c.2927A>T, p.Glu976Val (NM_001407664.1, NM_001407665.1, NM_001407666.1 and 19 more transcripts); c.2924A>T, p.Glu975Val (NM_001407670.1, NM_001407685.1, NM_001407686.1 and 11 more transcripts); c.2909A>T, p.Glu970Val (NM_001407725.1, NM_001407726.1, NM_001407727.1 and 29 more transcripts); and 41 more; short protein forms E1014V, E1016V, E906V, E946V, E950V, E976V, E721V, E849V.
Identifiers: ClinVar variation 5033169 (VCV005033169.1).
Genomic context (GRCh38, chr17:43,092,481, plus strand): 5'-TTAAAAACATTTTCTCTAATGTTATTACGGCTAATTGTGCTCACTGTACTTGGAATGTTC[T>A]CATTTCCCATTTCTCTTTCAGGTGACATTGAATGTTCCTCAAAGTTTTCCTCTAGCAGAT-3'
Protein context (NP_009225.1, residues 1007-1027): SMSPEREMGN[Glu1017Val]NIPSTVSTIS